The following is an entry in ClinVar:

NM_024529.5(CDC73):c.136G>A (p.Gly46Arg)

Gene: CDC73 (cell division cycle 73; plus strand). Cytogenetic location: 1q31.2.
Variant type: single nucleotide variant.
Coding change: c.136G>A on transcript NM_024529.5 (MANE Select); coding-DNA position 136, G replaced by A.
Protein change: p.Gly46Arg; replaces glycine 46 with arginine.
Molecular consequence: missense variant.
Genome position (GRCh38, 1-based): chr1:193,125,116, G>A. VCF-style: chr1-193125116-G-A. GRCh37 (hg19) VCF-style: chr1-193094246-G-A.
Other names: short protein forms G46R.
Identifiers: ClinVar variation 3705760 (VCV003705760.2).

ClinVar aggregate classification (germline): Uncertain significance (1 of 4 stars; one submission).

Conditions:
Parathyroid carcinoma (PRTC). Also called: CDC73-Related Parathyroid Carcinoma; Parathyroid gland carcinoma. Identifiers: Orphanet 143, MedGen C0687150, MONDO:0012004, OMIM 608266, HP:0006780.

gnomAD v4.1: 5 of 1,554,850 alleles (0.00032%); highest among the groups gnomAD compares: Non-Finnish European, 0.00044%; no homozygotes.

Submission:

Labcorp Genetics (formerly Invitae), Labcorp
Classification: Uncertain significance for Parathyroid carcinoma. Last evaluated: 2024-10-29. Review status: criteria provided, single submitter. Criteria: Invitae Variant Classification Sherloc (09022015). Collection method: clinical testing. Allele origin: germline.
Comment: This sequence change replaces glycine, which is neutral and non-polar, with arginine, which is basic and polar, at codon 46 of the CDC73 protein (p.Gly46Arg). This variant is not present in population databases (gnomAD no frequency). This variant has not been reported in the literature in individuals affected with CDC73-related conditions. Invitae Evidence Modeling of protein sequence and biophysical properties (such as structural, functional, and spatial information, amino acid conservation, physicochemical variation, residue mobility, and thermodynamic stability) indicates that this missense variant is expected to disrupt CDC73 protein function with a positive predictive value of 80%. In summary, the available evidence is currently insufficient to determine the role of this variant in disease. Therefore, it has been classified as a Variant of Uncertain Significance.